The following is an entry in ClinVar:

ClinVar aggregate classification (germline): Uncertain significance (1 of 4 stars; one submission).

gnomAD v4.1: 13 of 1,614,074 alleles (0.00081%); highest among the groups gnomAD compares: Non-Finnish European, 0.0011%; no homozygotes.

Submission:

Labcorp Genetics (formerly Invitae), Labcorp
Classification: Uncertain significance. Last evaluated: 2021-08-19. Review status: criteria provided, single submitter. Criteria: Invitae Variant Classification Sherloc (09022015). Collection method: clinical testing. Allele origin: germline.
Comment: In summary, the available evidence is currently insufficient to determine the role of this variant in disease. Therefore, it has been classified as a Variant of Uncertain Significance. Algorithms developed to predict the effect of sequence changes on RNA splicing suggest that this variant may create or strengthen a splice site. This variant has not been reported in the literature in individuals affected with BCAT2-related conditions. This variant is not present in population databases (ExAC no frequency). This sequence change falls in intron 7 of the BCAT2 gene. It does not directly change the encoded amino acid sequence of the BCAT2 protein.

NM_001190.4(BCAT2):c.839-12C>G

Gene: BCAT2 (branched chain amino acid transaminase 2; minus strand). Cytogenetic location: 19q13.33.
Variant type: single nucleotide variant.
Coding change: c.839-12C>G on transcript NM_001190.4 (MANE Select); 12 bases into the intron before coding-DNA position 839, C replaced by G.
Molecular consequence: intron variant.
Genome position (GRCh38, 1-based): chr19:48,797,034, G>C on the plus strand (C>G on the coding strand, the complement: BCAT2 is on the minus strand). VCF-style: chr19-48797034-G-C. GRCh37 (hg19) VCF-style: chr19-49300291-G-C.
Other names: c.563-12C>G (NM_001164773.2); c.719-12C>G (NM_001284325.2).
Identifiers: ClinVar variation 1376168 (VCV001376168.6), dbSNP rs748961972, ClinGen allele CA633888698.